The following is an entry in ClinVar:

NM_006180.6(NTRK2):c.804G>A (p.Ala268=)

Gene: NTRK2 (neurotrophic receptor tyrosine kinase 2; plus strand). Cytogenetic location: 9q21.33.
Variant type: single nucleotide variant.
Coding change: c.804G>A on transcript NM_006180.6 (MANE Select); coding-DNA position 804, G replaced by A.
Protein change: p.Ala268=; no amino-acid change (alanine 268 retained).
Molecular consequence: synonymous variant.
Genome position (GRCh38, 1-based): chr9:84,724,307, G>A. VCF-style: chr9-84724307-G-A. GRCh37 (hg19) VCF-style: chr9-87339222-G-A.
Other names: c.804G>A, p.Ala268= (NM_001007097.3, NM_001018064.3, NM_001018065.2 and 18 more transcripts); c.336G>A, p.Ala112= (NM_001369535.1, NM_001369536.1, NM_001369550.1 and 2 more transcripts).
Identifiers: ClinVar variation 436088 (VCV000436088.53), dbSNP rs151196069, ClinGen allele CA5105577.
Genomic context (GRCh38, chr9:84,724,307, plus strand): 5'-CTCCTTAAGGATAACTAACATTTCATCCGATGACAGTGGGAAGCAGATCTCTTGTGTGGC[G>A]GAAAATCTTGTAGGAGAAGATCAAGATTCTGTCAACCTCACTGTGCATTGTACGTAATCA-3'
Protein context (NP_006171.2, residues 258-278): DDSGKQISCV[Ala268=]ENLVGEDQDS

ClinVar aggregate classification (germline): Likely benign. Review status: criteria provided, multiple submitters, no conflicts (2 of 4 stars). 6 submissions from 6 submitters: Likely benign (6). Last evaluated 2026-06-01.

Conditions:
NTRK2-related disorder. Also called: NTRK2-related condition.

Allele frequency attached by ClinVar (database versions not stated): ExAC 0.00036; TOPMed 0.00037; gnomAD exomes 0.00038 and 0.00044; ESP Exome Variant Server 0.00054; gnomAD 0.00055 and 0.00060.
gnomAD v4.1: 728 of 1,613,918 alleles (0.045%); highest among the groups gnomAD compares: Non-Finnish European, 0.052%; 2 homozygotes.

Submissions (6):

CeGaT Center for Human Genetics Tuebingen
Classification: Likely benign. Last evaluated: 2026-06-01. Review status: criteria provided, single submitter. Criteria: CeGaT Center For Human Genetics Tuebingen Variant Classification Criteria Version 2. Collection method: clinical testing. Allele origin: germline. Affected: yes. Observed: 16 variant alleles.
Comment: NTRK2: BP4, BP7

Labcorp Genetics (formerly Invitae), Labcorp
Classification: Likely benign. Last evaluated: 2026-01-12. Review status: criteria provided, single submitter. Criteria: Invitae Variant Classification Sherloc (09022015). Collection method: clinical testing. Allele origin: germline.

PreventionGenetics, part of Exact Sciences
Classification: Likely benign for NTRK2-related condition. Last evaluated: 2025-11-10. Review status: criteria provided, single submitter. Criteria: ACMG Guidelines, 2015. Collection method: clinical testing. Allele origin: germline.
Comment: This variant is classified as likely benign based on ACMG/AMP sequence variant interpretation guidelines (Richards et al. 2015 PMID: 25741868, with internal and published modifications).

Laboratory of Genetics, Children's Clinical University Hospital Latvia
Classification: Likely benign. Last evaluated: 2025-02-16. Review status: criteria provided, single submitter. Criteria: ACMG Guidelines, 2015. Collection method: clinical testing. Allele origin: germline. Affected: yes.

Blueprint Genetics
Classification: Likely benign. Last evaluated: 2024-11-26. Review status: criteria provided, single submitter. Criteria: ACMG Guidelines, 2015. Collection method: clinical testing. Allele origin: germline.

Genetic Services Laboratory, University of Chicago
Classification: Likely benign. Last evaluated: 2017-02-08. Review status: criteria provided, single submitter. Criteria: ACMG Guidelines, 2015. Collection method: clinical testing. Allele origin: germline. Affected: no.